The following is an entry in ClinVar:

ClinVar aggregate classification (germline): Uncertain significance. Review status: criteria provided, multiple submitters, no conflicts (2 of 4 stars). 2 submissions from 2 submitters: Uncertain significance (2). Last evaluated 2023-06-22.

Conditions:
Ataxia-telangiectasia syndrome (AT). Also called: Cerebello-oculocutaneous telangiectasia; ATAXIA-TELANGIECTASIA, COMPLEMENTATION GROUP A; ATAXIA-TELANGIECTASIA, FRESNO VARIANT; Ataxia-telangiectasia, complementation group D; AT, COMPLEMENTATION GROUP C; Immunodeficiency with ataxia telangiectasia. Identifiers: Orphanet 100, MedGen C0004135, MONDO:0008840, OMIM 208900.

Submissions (2):

St. Jude Molecular Pathology, St. Jude Children's Research Hospital
Classification: Uncertain significance for Ataxia-telangiectasia syndrome. Last evaluated: 2023-06-22. Review status: criteria provided, single submitter. Criteria: St. Jude Assertion Criteria 2020. Collection method: clinical testing. Allele origin: germline.
Comment: The ATM c.2516A>G (p.Glu839Gly) missense change is absent in gnomAD v2.1.1. The in silico tool REVEL predicts a benign effect of this variant on protein function, and to our knowledge functional studies have not been performed. This variant was not reported in a database of women older than 70 years of age who have never had cancer (FLOSSIES database). To our knowledge, this variant has not been reported in individuals with ataxia telangiectasia or breast cancer. In summary, the evidence currently available is insufficient to determine the clinical significance of this variant. It has therefore been classified as of uncertain significance.

Labcorp Genetics (formerly Invitae), Labcorp
Classification: Uncertain significance for Ataxia-telangiectasia syndrome. Last evaluated: 2022-09-20. Review status: criteria provided, single submitter. Criteria: Invitae Variant Classification Sherloc (09022015). Collection method: clinical testing. Allele origin: germline.
Comment: In summary, the available evidence is currently insufficient to determine the role of this variant in disease. Therefore, it has been classified as a Variant of Uncertain Significance. Algorithms developed to predict the effect of missense changes on protein structure and function (SIFT, PolyPhen-2, Align-GVGD) all suggest that this variant is likely to be tolerated. This variant has not been reported in the literature in individuals affected with ATM-related conditions. This variant is not present in population databases (gnomAD no frequency). This sequence change replaces glutamic acid, which is acidic and polar, with glycine, which is neutral and non-polar, at codon 839 of the ATM protein (p.Glu839Gly).

NM_000051.4(ATM):c.2516A>G (p.Glu839Gly)

Gene: ATM (ATM serine/threonine kinase; plus strand). Cytogenetic location: 11q22.3.
Variant type: single nucleotide variant.
Coding change: c.2516A>G on transcript NM_000051.4 (MANE Select); coding-DNA position 2516, A replaced by G.
Protein change: p.Glu839Gly; replaces glutamic acid 839 with glycine.
Molecular consequence: missense variant.
Genome position (GRCh38, 1-based): chr11:108,267,220, A>G. VCF-style: chr11-108267220-A-G. GRCh37 (hg19) VCF-style: chr11-108137947-A-G.
Other names: c.2516A>G, p.Glu839Gly (NM_001351834.2); short protein forms E839G.
Identifiers: ClinVar variation 1719907 (VCV001719907.6), dbSNP rs1591587459, ClinGen allele CA382543436.